The following is an entry in ClinVar:

ClinVar aggregate classification (germline): Uncertain significance. Review status: criteria provided, multiple submitters, no conflicts (2 of 4 stars). 2 submissions from 2 submitters: Uncertain significance (2). Last evaluated 2023-01-07.

Allele frequency attached by ClinVar (database versions not stated): gnomAD exomes 0.00001 and 0.00002; ExAC 0.00003; gnomAD 0.00003; ESP Exome Variant Server 0.00008.
gnomAD v4.1: 14 of 1,612,986 alleles (0.00087%); highest among the groups gnomAD compares: African/African-American, 0.015%; no homozygotes.

Submissions (2):

Labcorp Genetics (formerly Invitae), Labcorp
Classification: Uncertain significance. Last evaluated: 2023-01-07. Review status: criteria provided, single submitter. Criteria: Invitae Variant Classification Sherloc (09022015). Collection method: clinical testing. Allele origin: germline.
Comment: In summary, the available evidence is currently insufficient to determine the role of this variant in disease. Therefore, it has been classified as a Variant of Uncertain Significance. Algorithms developed to predict the effect of missense changes on protein structure and function (SIFT, PolyPhen-2, Align-GVGD) all suggest that this variant is likely to be tolerated. ClinVar contains an entry for this variant (Variation ID: 1480238). This variant has not been reported in the literature in individuals affected with KIAA0753-related conditions. This variant is present in population databases (rs374358737, gnomAD 0.02%). This sequence change replaces threonine, which is neutral and polar, with proline, which is neutral and non-polar, at codon 445 of the KIAA0753 protein (p.Thr445Pro).

Breakthrough Genomics
Classification: Uncertain significance. Review status: criteria provided, single submitter. Criteria: ACMG Guidelines, 2015. Collection method: not provided. Allele origin: germline. Inheritance: Autosomal recessive inheritance. Affected: yes.

NM_014804.3(KIAA0753):c.1333A>C (p.Thr445Pro)

Gene: KIAA0753 (KIAA0753; minus strand). Cytogenetic location: 17p13.1.
Variant type: single nucleotide variant.
Coding change: c.1333A>C on transcript NM_014804.3 (MANE Select); coding-DNA position 1333, A replaced by C.
Protein change: p.Thr445Pro; replaces threonine 445 with proline.
Molecular consequence: missense variant.
Genome position (GRCh38, 1-based): chr17:6,612,131, T>G on the plus strand (A>C on the coding strand, the complement: KIAA0753 is on the minus strand). VCF-style: chr17-6612131-T-G. GRCh37 (hg19) VCF-style: chr17-6515451-T-G.
Other names: c.436A>C, p.Thr146Pro (NM_001351225.2); short protein forms T146P, T445P.
Identifiers: ClinVar variation 1480238 (VCV001480238.7), dbSNP rs374358737, ClinGen allele CA8330507.
Genomic context (GRCh38, chr17:6,612,131, plus strand): 5'-CTATATCCGCATCTAATACATCAAGCTCACTCTGCAACCTCTGGGTCTCCGGAAGCTCCG[T>G]ATCGGGCTGATACTTATCTACATGGAAATTTTTGAAAAACAAACTGAGGAAAATGCTATT-3'
Protein context (NP_055619.2, residues 435-455): QLLADKYQPD[Thr445Pro]ELPETQRLQS